The following is an entry in ClinVar:

ClinVar aggregate classification (germline): Uncertain significance. Review status: criteria provided, multiple submitters, no conflicts (2 of 4 stars). 2 submissions from 2 submitters: Uncertain significance (2). Last evaluated 2024-02-17.

Conditions:
Hereditary cancer-predisposing syndrome. Also called: Hereditary Cancer Syndrome; Hereditary neoplastic syndrome; Neoplastic Syndromes, Hereditary; Tumor predisposition. Identifiers: Orphanet 140162, MedGen C0027672, MeSH D009386, MONDO:0015356.

Allele frequency attached by ClinVar (database versions not stated): TOPMed 0.00002.
gnomAD v4.1: 4 of 1,611,794 alleles (0.00025%); highest among the groups gnomAD compares: Non-Finnish European, 0.00034%; no homozygotes.

Submissions (2):

Labcorp Genetics (formerly Invitae), Labcorp
Classification: Uncertain significance for Hereditary cancer-predisposing syndrome. Last evaluated: 2024-02-17. Review status: criteria provided, single submitter. Criteria: Invitae Variant Classification Sherloc (09022015). Collection method: clinical testing. Allele origin: germline.
Comment: This sequence change replaces arginine, which is basic and polar, with serine, which is neutral and polar, at codon 850 of the RAD50 protein (p.Arg850Ser). This variant is not present in population databases (gnomAD no frequency). This variant has not been reported in the literature in individuals affected with RAD50-related conditions. ClinVar contains an entry for this variant (Variation ID: 408423). Advanced modeling of protein sequence and biophysical properties (such as structural, functional, and spatial information, amino acid conservation, physicochemical variation, residue mobility, and thermodynamic stability) performed at Invitae indicates that this missense variant is expected to disrupt RAD50 protein function with a positive predictive value of 80%. In summary, the available evidence is currently insufficient to determine the role of this variant in disease. Therefore, it has been classified as a Variant of Uncertain Significance.

Ambry Genetics
Classification: Uncertain significance for Hereditary cancer-predisposing syndrome. Last evaluated: 2023-01-26. Review status: criteria provided, single submitter. Criteria: Ambry Variant Classification Scheme 2023. Collection method: clinical testing. Allele origin: germline.
Comment: The p.R850S variant (also known as c.2548C>A), located in coding exon 16 of the RAD50 gene, results from a C to A substitution at nucleotide position 2548. The arginine at codon 850 is replaced by serine, an amino acid with dissimilar properties. This amino acid position is well conserved in available vertebrate species. In addition, the in silico prediction for this alteration is inconclusive. Since supporting evidence is limited at this time, the clinical significance of this alteration remains unclear.

NM_005732.4(RAD50):c.2548C>A (p.Arg850Ser)

Gene: RAD50 (RAD50 double strand break repair protein; plus strand). Cytogenetic location: 5q31.1.
Variant type: single nucleotide variant.
Coding change: c.2548C>A on transcript NM_005732.4 (MANE Select); coding-DNA position 2548, C replaced by A.
Protein change: p.Arg850Ser; replaces arginine 850 with serine.
Molecular consequence: missense variant.
Genome position (GRCh38, 1-based): chr5:132,604,829, C>A. VCF-style: chr5-132604829-C-A. GRCh37 (hg19) VCF-style: chr5-131940521-C-A.
Other names: short protein forms R850S.
Identifiers: ClinVar variation 408423 (VCV000408423.13), dbSNP rs181961360, ClinGen allele CA16611836.